The following is an entry in ClinVar:

ClinVar aggregate classification (germline): Uncertain significance. Review status: criteria provided, multiple submitters, no conflicts (2 of 4 stars). 2 submissions from 2 submitters: Uncertain significance (2). Last evaluated 2025-06-03.

Allele frequency attached by ClinVar (database versions not stated): gnomAD exomes 0.00002 and 0.00003; ExAC 0.00004; gnomAD 0.00007; TOPMed 0.00008; 1000 Genomes Project 30x 0.00031; 1000 Genomes Project 0.00040.
gnomAD v4.1: 46 of 1,610,470 alleles (0.0029%); highest among the groups gnomAD compares: Middle Eastern, 0.05%; no homozygotes.

Submissions (2):

Labcorp Genetics (formerly Invitae), Labcorp
Classification: Uncertain significance. Last evaluated: 2025-06-03. Review status: criteria provided, single submitter. Criteria: Invitae Variant Classification Sherloc (09022015). Collection method: clinical testing. Allele origin: germline.
Comment: This sequence change replaces glutamic acid, which is acidic and polar, with aspartic acid, which is acidic and polar, at codon 778 of the RINT1 protein (p.Glu778Asp). This variant is present in population databases (rs184378923, gnomAD 0.02%). This variant has not been reported in the literature in individuals affected with RINT1-related conditions. ClinVar contains an entry for this variant (Variation ID: 949479). An algorithm developed to predict the effect of missense changes on protein structure and function (PolyPhen-2) suggests that this variant is likely to be tolerated. In summary, the available evidence is currently insufficient to determine the role of this variant in disease. Therefore, it has been classified as a Variant of Uncertain Significance.

Ambry Genetics
Classification: Uncertain significance. Last evaluated: 2025-05-17. Review status: criteria provided, single submitter. Criteria: Ambry Variant Classification Scheme 2023. Collection method: clinical testing. Allele origin: germline.
Comment: The p.E778D variant (also known as c.2334G>C), located in coding exon 15 of the RINT1 gene, results from a G to C substitution at nucleotide position 2334. The glutamic acid at codon 778 is replaced by aspartic acid, an amino acid with highly similar properties. This amino acid position is well conserved in available vertebrate species. In addition, this alteration is predicted to be tolerated by in silico analysis. Since supporting evidence is limited at this time, the clinical significance of this alteration remains unclear.

NM_021930.6(RINT1):c.2334G>C (p.Glu778Asp)

Genes: EFCAB10 (EF-hand calcium binding domain 10; minus strand), RINT1 (RAD50 interactor 1; plus strand). Cytogenetic location: 7q22.3.
Variant type: single nucleotide variant.
Coding change: c.2334G>C on transcript NM_021930.6 (MANE Select); coding-DNA position 2334, G replaced by C.
Protein change: p.Glu778Asp; replaces glutamic acid 778 with aspartic acid.
Molecular consequence: missense variant. On other transcripts: 3 prime UTR variant (2), non-coding transcript variant (1), intron variant (3).
Genome position (GRCh38, 1-based): chr7:105,567,266, G>C. VCF-style: chr7-105567266-G-C. GRCh37 (hg19) VCF-style: chr7-105207713-G-C.
Other names: c.*188C>G (NM_001355527.2, NM_001355529.2); c.2100G>C, p.Glu700Asp (NM_001346599.2); c.1311G>C, p.Glu437Asp (NM_001346600.2, NM_001346603.2); c.1410G>C, p.Glu470Asp (NM_001346601.2); c.360-1819C>G (NM_001355531.2); c.383+201C>G (NM_001355526.2, NM_001355530.2); short protein forms E437D, E470D, E778D, E700D.
Identifiers: ClinVar variation 949479 (VCV000949479.11), dbSNP rs184378923, ClinGen allele CA4426935.